The following is an entry in ClinVar:

NM_002529.4(NTRK1):c.977G>C (p.Ser326Thr)

Gene: NTRK1 (neurotrophic receptor tyrosine kinase 1; plus strand). Cytogenetic location: 1q23.1.
Variant type: single nucleotide variant.
Coding change: c.977G>C on transcript NM_002529.4 (MANE Select); coding-DNA position 977, G replaced by C.
Protein change: p.Ser326Thr; replaces serine 326 with threonine.
Molecular consequence: missense variant.
Genome position (GRCh38, 1-based): chr1:156,873,759, G>C. VCF-style: chr1-156873759-G-C. GRCh37 (hg19) VCF-style: chr1-156843551-G-C.
Other names: c.977G>C, p.Ser326Thr (NM_001007204.1, NM_001012331.2); c.887G>C, p.Ser296Thr (NM_001007792.1); short protein forms S296T, S326T.
Identifiers: ClinVar variation 2126747 (VCV002126747.4), dbSNP rs1647710658, ClinGen allele CA342935927.
Genomic context (GRCh38, chr1:156,873,759, plus strand): 5'-ATGGGCAGCCGGCACCGTCTCTGCGCTGGCTCTTCAATGGCTCCGTGCTCAATGAGACCA[G>C]CTTCATCTTCACTGAGTTCCTGGAGCCGGCAGCCAATGAGACCGTGCGGCACGGGTGTCT-3'
Protein context (NP_002520.2, residues 316-336): LFNGSVLNET[Ser326Thr]FIFTEFLEPA

ClinVar aggregate classification (germline): Uncertain significance (1 of 4 stars; one submission).

Conditions:
Hereditary insensitivity to pain with anhidrosis (CIPA). Also called: NTRK1 Congenital Insensitivity to Pain with Anhidrosis; FAMILIAL DYSAUTONOMIA, TYPE II; hereditary sensory and autonomic neuropathy type 4; INSENSITIVITY TO PAIN, CONGENITAL, WITH ANHIDROSIS; HSAN Type IV; NEUROPATHY, CONGENITAL SENSORY, WITH ANHIDROSIS. Identifiers: Orphanet 642, MedGen C0020074, MONDO:0009746, OMIM 256800.

Submission:

Labcorp Genetics (formerly Invitae), Labcorp
Classification: Uncertain significance for Hereditary insensitivity to pain with anhidrosis. Last evaluated: 2024-02-17. Review status: criteria provided, single submitter. Criteria: Invitae Variant Classification Sherloc (09022015). Collection method: clinical testing. Allele origin: germline.
Comment: This sequence change replaces serine, which is neutral and polar, with threonine, which is neutral and polar, at codon 326 of the NTRK1 protein (p.Ser326Thr). This variant is not present in population databases (gnomAD no frequency). This variant has not been reported in the literature in individuals affected with NTRK1-related conditions. ClinVar contains an entry for this variant (Variation ID: 2126747). Advanced modeling of protein sequence and biophysical properties (such as structural, functional, and spatial information, amino acid conservation, physicochemical variation, residue mobility, and thermodynamic stability) performed at Invitae indicates that this missense variant is not expected to disrupt NTRK1 protein function with a negative predictive value of 95%. In summary, the available evidence is currently insufficient to determine the role of this variant in disease. Therefore, it has been classified as a Variant of Uncertain Significance.